The following is an entry in ClinVar:

ClinVar aggregate classification (germline): Uncertain significance (1 of 4 stars; one submission).

Conditions:
Familial thoracic aortic aneurysm and aortic dissection (TAAD). Also called: Thoracic aortic aneurysms and dissections. Identifiers: Orphanet 91387, MedGen C4707243, MONDO:0019625.

Submission:

All of Us Research Program, National Institutes of Health
Classification: Uncertain significance for Familial thoracic aortic aneurysm and aortic dissection. Last evaluated: 2023-08-28. Review status: criteria provided, single submitter. Criteria: ACMG Guidelines, 2015. Collection method: clinical testing. Allele origin: germline. Inheritance: Autosomal dominant inheritance. Observed: 1 variant allele, 1 heterozygote.
Comment: This missense variant replaces isoleucine with asparagine at codon 994 of the MYH11 protein. Computational prediction suggests that this variant may not impact protein structure and function (internally defined REVEL score threshold <= 0.5, PMID: 27666373). To our knowledge, functional studies have not been reported for this variant. This variant has not been reported in individuals affected with MYH11-related disorders in the literature. This variant has not been identified in the general population by the Genome Aggregation Database (gnomAD). The available evidence is insufficient to determine the role of this variant in disease conclusively. Therefore, this variant is classified as a Variant of Uncertain Significance.

This study involves interpretation of variants in research participants for the purpose of population health screening. Participant phenotype was not available at the time of variant classification. Additional details can be found in publication PMID: 35346344, PMCID: PMC8962531

NM_002474.3(MYH11):c.2960T>A (p.Ile987Asn)

Gene: MYH11 (myosin heavy chain 11; minus strand). Cytogenetic location: 16p13.11.
Variant type: single nucleotide variant.
Coding change: c.2960T>A on transcript NM_002474.3 (MANE Select); coding-DNA position 2960, T replaced by A.
Protein change: p.Ile987Asn; replaces isoleucine 987 with asparagine.
Molecular consequence: missense variant.
Genome position (GRCh38, 1-based): chr16:15,740,088, A>T on the plus strand (T>A on the coding strand, the complement: MYH11 is on the minus strand). VCF-style: chr16-15740088-A-T. GRCh37 (hg19) VCF-style: chr16-15833945-A-T.
Other names: c.2981T>A, p.Ile994Asn (NM_001040113.2, NM_001040114.2); c.2960T>A, p.Ile987Asn (NM_022844.3); short protein forms I987N, I994N.
Identifiers: ClinVar variation 3073272 (VCV003073272.1), dbSNP rs770004584, ClinGen allele CA394864650.